The following is an entry in ClinVar:

NM_001367498.1(CNTNAP5):c.291C>T (p.Tyr97=)

Gene: CNTNAP5 (contactin associated protein family member 5; plus strand). Cytogenetic location: 2q14.3.
Variant type: single nucleotide variant.
Coding change: c.291C>T on transcript NM_001367498.1 (MANE Select); coding-DNA position 291, C replaced by T.
Protein change: p.Tyr97=; no amino-acid change (tyrosine 97 retained).
Molecular consequence: synonymous variant.
Genome position (GRCh38, 1-based): chr2:124,242,303, C>T. VCF-style: chr2-124242303-C-T. GRCh37 (hg19) VCF-style: chr2-124999880-C-T.
Other names: c.291C>T, p.Tyr97= (NM_130773.4).
Identifiers: ClinVar variation 710619 (VCV000710619.6), dbSNP rs369801109, ClinGen allele CA1855531.

ClinVar aggregate classification (germline): Likely benign. Review status: criteria provided, multiple submitters, no conflicts (2 of 4 stars). 3 submissions from 3 submitters: Likely benign (2). 1 of the submissions does not count toward it. Last evaluated 2018-05-14.

Conditions:
CNTNAP5-related disorder. Also called: CNTNAP5-related condition.

Allele frequency attached by ClinVar (database versions not stated): gnomAD 0.00014 and 0.00015; ESP Exome Variant Server 0.00016; gnomAD exomes 0.00020 and 0.00024; TOPMed 0.00021; ExAC 0.00028.
gnomAD v4.1: 331 of 1,612,630 alleles (0.021%); highest among the groups gnomAD compares: Middle Eastern, 0.49%; 1 homozygote.

Submissions (3):

Labcorp Genetics (formerly Invitae), Labcorp
Classification: Likely benign. Last evaluated: 2018-05-14. Review status: criteria provided, single submitter. Criteria: Invitae Variant Classification Sherloc (09022015). Collection method: clinical testing. Allele origin: germline.

Breakthrough Genomics
Classification: Likely benign. Review status: criteria provided, single submitter. Criteria: ACMG Guidelines, 2015. Collection method: not provided. Allele origin: germline. Inheritance: Unknown mechanism. Affected: yes.

PreventionGenetics, part of Exact Sciences
Classification: Likely benign for CNTNAP5-related condition. Last evaluated: 2019-03-29. Review status: no assertion criteria provided. Collection method: clinical testing. Allele origin: germline. Not counted in ClinVar's aggregate classification.
Comment: This variant is classified as likely benign based on ACMG/AMP sequence variant interpretation guidelines (Richards et al. 2015 PMID: 25741868, with internal and published modifications).